The following is an entry in ClinVar:

NM_005228.5(EGFR):c.3602C>A (p.Ala1201Glu)

Gene: EGFR (epidermal growth factor receptor; plus strand). Cytogenetic location: 7p11.2.
Variant type: single nucleotide variant.
Coding change: c.3602C>A on transcript NM_005228.5 (MANE Select); coding-DNA position 3602, C replaced by A.
Protein change: p.Ala1201Glu; replaces alanine 1201 with glutamic acid.
Molecular consequence: missense variant.
Genome position (GRCh38, 1-based): chr7:55,205,586, C>A. VCF-style: chr7-55205586-C-A. GRCh37 (hg19) VCF-style: chr7-55273279-C-A.
Other names: c.3467C>A, p.Ala1156Glu (NM_001346899.2); c.3443C>A, p.Ala1148Glu (NM_001346900.2); c.2801C>A, p.Ala934Glu (NM_001346941.2); short protein forms A1148E, A1201E, A1156E, A934E.
Identifiers: ClinVar variation 845260 (VCV000845260.8), dbSNP rs201717672, ClinGen allele CA367584983.

ClinVar aggregate classification (germline): Uncertain significance. Review status: criteria provided, multiple submitters, no conflicts (2 of 4 stars). 2 submissions from 2 submitters: Uncertain significance (2). Last evaluated 2025-07-20.

Conditions:
Hereditary cancer-predisposing syndrome. Also called: Tumor predisposition; Hereditary neoplastic syndrome; Neoplastic Syndromes, Hereditary; Hereditary Cancer Syndrome. Identifiers: Orphanet 140162, MedGen C0027672, MeSH D009386, MONDO:0015356.
EGFR-related lung cancer (EGFR). Identifiers: MedGen CN130014.

Allele frequency attached by ClinVar (database versions not stated): TOPMed 0.00001.
gnomAD v4.1: 18 of 1,614,010 alleles (0.0011%); highest among the groups gnomAD compares: African/African-American, 0.0027%; no homozygotes.

Submissions (2):

Labcorp Genetics (formerly Invitae), Labcorp
Classification: Uncertain significance for EGFR-related lung cancer. Last evaluated: 2025-07-20. Review status: criteria provided, single submitter. Criteria: Invitae Variant Classification Sherloc (09022015). Collection method: clinical testing. Allele origin: germline.
Comment: This sequence change replaces alanine, which is neutral and non-polar, with glutamic acid, which is acidic and polar, at codon 1201 of the EGFR protein (p.Ala1201Glu). This variant is not present in population databases (gnomAD no frequency). This variant has not been reported in the literature in individuals affected with EGFR-related conditions. ClinVar contains an entry for this variant (Variation ID: 845260). An algorithm developed to predict the effect of missense changes on protein structure and function (PolyPhen-2) suggests that this variant is likely to be disruptive. In summary, the available evidence is currently insufficient to determine the role of this variant in disease. Therefore, it has been classified as a Variant of Uncertain Significance.

Ambry Genetics
Classification: Uncertain significance for Hereditary cancer-predisposing syndrome. Last evaluated: 2025-06-11. Review status: criteria provided, single submitter. Criteria: Ambry Variant Classification Scheme 2023. Collection method: clinical testing. Allele origin: germline.
Comment: The p.A1201E variant (also known as c.3602C>A), located in coding exon 28 of the EGFR gene, results from a C to A substitution at nucleotide position 3602. The alanine at codon 1201 is replaced by glutamic acid, an amino acid with dissimilar properties. This amino acid position is well conserved in available vertebrate species. In addition, the in silico prediction for this alteration is inconclusive. Based on the available evidence, the clinical significance of this variant remains unclear.